The following is an entry in ClinVar:

ClinVar aggregate classification (germline): Uncertain significance (1 of 4 stars; one submission).

Conditions:
Melanoma, cutaneous malignant, susceptibility to, 5. Also called: Cutaneous malignant melanoma 5. Identifiers: Orphanet 618, MedGen C2751295, MONDO:0013133, OMIM 613099.

Allele frequency attached by ClinVar (database versions not stated): ESP Exome Variant Server 0.00016.

Submission:

Labcorp Genetics (formerly Invitae), Labcorp
Classification: Uncertain significance for Melanoma, cutaneous malignant, susceptibility to, 5. Last evaluated: 2022-12-07. Review status: criteria provided, single submitter. Criteria: Invitae Variant Classification Sherloc (09022015). Collection method: clinical testing. Allele origin: germline.
Comment: In summary, the available evidence is currently insufficient to determine the role of this variant in disease. Therefore, it has been classified as a Variant of Uncertain Significance. Advanced modeling of protein sequence and biophysical properties (such as structural, functional, and spatial information, amino acid conservation, physicochemical variation, residue mobility, and thermodynamic stability) performed at Invitae indicates that this missense variant is not expected to disrupt MC1R protein function. This variant has not been reported in the literature in individuals affected with MC1R-related conditions. This variant is present in population databases (rs372152373, gnomAD 0.004%). This sequence change replaces arginine, which is basic and polar, with glycine, which is neutral and non-polar, at codon 223 of the MC1R protein (p.Arg223Gly).

NM_002386.4(MC1R):c.667C>G (p.Arg223Gly)

Gene: MC1R (melanocortin 1 receptor; plus strand). Cytogenetic location: 16q24.3.
Variant type: single nucleotide variant.
Coding change: c.667C>G on transcript NM_002386.4 (MANE Select); coding-DNA position 667, C replaced by G.
Protein change: p.Arg223Gly; replaces arginine 223 with glycine.
Molecular consequence: missense variant.
Genome position (GRCh38, 1-based): chr16:89,919,925, C>G. VCF-style: chr16-89919925-C-G. GRCh37 (hg19) VCF-style: chr16-89986333-C-G.
Other names: short protein forms R223G.
Identifiers: ClinVar variation 2918836 (VCV002918836.3), dbSNP rs372152373, ClinGen allele CA8255706.